The following is an entry in ClinVar:

ClinVar aggregate classification (germline): Uncertain significance (1 of 4 stars; one submission).

Conditions:
Leukocyte adhesion deficiency 1 (LAD1). Also called: LEUKOCYTE ADHESION DEFICIENCY, TYPE I; LAD 1; Lymphocyte function-associated antigen 1 immunodeficiency; LFA 1 immunodeficiency. Identifiers: Orphanet 2968, Orphanet 99842, MedGen C0398738, MONDO:0007293, OMIM 116920.

Submission:

Labcorp Genetics (formerly Invitae), Labcorp
Classification: Uncertain significance for Leukocyte adhesion deficiency 1. Last evaluated: 2022-01-15. Review status: criteria provided, single submitter. Criteria: Invitae Variant Classification Sherloc (09022015). Collection method: clinical testing. Allele origin: germline.
Comment: This sequence change replaces valine, which is neutral and non-polar, with isoleucine, which is neutral and non-polar, at codon 30 of the ITGB2 protein (p.Val30Ile). This variant is not present in population databases (gnomAD no frequency). This variant has not been reported in the literature in individuals affected with ITGB2-related conditions. ClinVar contains an entry for this variant (Variation ID: 938232). Algorithms developed to predict the effect of missense changes on protein structure and function are either unavailable or do not agree on the potential impact of this missense change (SIFT: "Deleterious"; PolyPhen-2: "Benign"; Align-GVGD: "Class C25"). In summary, the available evidence is currently insufficient to determine the role of this variant in disease. Therefore, it has been classified as a Variant of Uncertain Significance.

NM_000211.5(ITGB2):c.88G>A (p.Val30Ile)

Gene: ITGB2 (integrin subunit beta 2; minus strand). Cytogenetic location: 21q22.3.
Variant type: single nucleotide variant.
Coding change: c.88G>A on transcript NM_000211.5 (MANE Select); coding-DNA position 88, G replaced by A.
Protein change: p.Val30Ile; replaces valine 30 with isoleucine.
Molecular consequence: missense variant. On other transcripts: 5 prime UTR variant (1).
Genome position (GRCh38, 1-based): chr21:44,910,343, C>T on the plus strand (G>A on the coding strand, the complement: ITGB2 is on the minus strand). VCF-style: chr21-44910343-C-T. GRCh37 (hg19) VCF-style: chr21-46330258-C-T.
Other names: c.88G>A, p.Val30Ile (NM_001127491.3); c.-120G>A (NM_001303238.2); short protein forms V30I.
Identifiers: ClinVar variation 938232 (VCV000938232.7), dbSNP rs962637993, ClinGen allele CA321854267.